The following is an entry in ClinVar:

NM_001142966.3(GREB1L):c.1838C>G (p.Thr613Ser)

Gene: GREB1L (GREB1 like retinoic acid receptor coactivator; plus strand). Cytogenetic location: 18q11.1.
Variant type: single nucleotide variant.
Coding change: c.1838C>G on transcript NM_001142966.3 (MANE Select); coding-DNA position 1838, C replaced by G.
Protein change: p.Thr613Ser; replaces threonine 613 with serine.
Molecular consequence: missense variant.
Genome position (GRCh38, 1-based): chr18:21,451,140, C>G. VCF-style: chr18-21451140-C-G. GRCh37 (hg19) VCF-style: chr18-19031101-C-G.
Other names: p.Thr613Ser; c.1967C>G, p.Thr656Ser (NM_001410867.1); c.1511C>G, p.Thr504Ser (NM_001410868.1); short protein forms T504S, T613S, T656S.
Identifiers: ClinVar variation 3380543 (VCV003380543.2).
Genomic context (GRCh38, chr18:21,451,140, plus strand): 5'-AAGAAATTAGTTATGAGCTTATCACAGGAAAGGTCAGTTTCCTGGCATCACATTTCAAAA[C>G]CACATCATTAGGTGAGTGGTTGTAAGATTTGGCAACACTGGCAGCCCCTAGTTGTATGAT-3'
Protein context (NP_001136438.1, residues 603-623): KVSFLASHFK[Thr613Ser]TSLGDDLDKL

ClinVar aggregate classification (germline): Uncertain significance. Review status: criteria provided, multiple submitters, no conflicts (2 of 4 stars). 2 submissions from 2 submitters: Uncertain significance (2). Last evaluated 2025-03-31.

Submissions (2):

Women's Health and Genetics/Laboratory Corporation of America, LabCorp
Classification: Uncertain significance. Last evaluated: 2025-03-31. Review status: criteria provided, single submitter. Criteria: LabCorp Variant Classification Summary - May 2015. Collection method: clinical testing. Allele origin: germline.
Comment: Variant summary: GREB1L c.1838C>G (p.Thr613Ser) results in a conservative amino acid change in the encoded protein sequence. Five of five in-silico tools predict a benign effect of the variant on protein function. The variant was absent in 156614 control chromosomes. The available data on variant occurrences in the general population are insufficient to allow any conclusion about variant significance. To our knowledge, no occurrence of c.1838C>G in individuals affected with Renal Hypodysplasia/aplasia 3 and no experimental evidence demonstrating its impact on protein function have been reported. ClinVar contains an entry for this variant (Variation ID: 3380543). Based on the evidence outlined above, the variant was classified as uncertain significance.

Mayo Clinic Laboratories, Mayo Clinic
Classification: Uncertain significance. Last evaluated: 2024-03-26. Review status: criteria provided, single submitter. Criteria: ACMG Guidelines, 2015. Collection method: clinical testing. Allele origin: germline. Observed: 1 variant allele.
Comment: BP4, PP2